The following is an entry in ClinVar:

NM_015102.5(NPHP4):c.1388G>A (p.Ser463Asn)

Gene: NPHP4 (nephrocystin 4; minus strand). Cytogenetic location: 1p36.31.
Variant type: single nucleotide variant.
Coding change: c.1388G>A on transcript NM_015102.5 (MANE Select); coding-DNA position 1388, G replaced by A.
Protein change: p.Ser463Asn; replaces serine 463 with asparagine.
Molecular consequence: missense variant. On other transcripts: non-coding transcript variant (1).
Genome position (GRCh38, 1-based): chr1:5,927,702, C>T on the plus strand (G>A on the coding strand, the complement: NPHP4 is on the minus strand). VCF-style: chr1-5927702-C-T. GRCh37 (hg19) VCF-style: chr1-5987762-C-T.
Other names: c.22G>A, p.Val8Met (NM_001291593.2, NM_001291594.2); short protein forms S463N, V8M.
Identifiers: ClinVar variation 1053223 (VCV001053223.6), dbSNP rs894737324, ClinGen allele CA17134035.

ClinVar aggregate classification (germline): Uncertain significance (1 of 4 stars; one submission).

Conditions:
Nephronophthisis. Also called: Juvenile Nephronophthisis. Identifiers: Orphanet 655, MedGen C0687120, MONDO:0019005, HP:0000090.

Allele frequency attached by ClinVar (database versions not stated): gnomAD 0.00001.
gnomAD v4.1: 5 of 1,613,326 alleles (0.00031%); highest among the groups gnomAD compares: African/African-American, 0.0067%; no homozygotes.

Submission:

Labcorp Genetics (formerly Invitae), Labcorp
Classification: Uncertain significance for Nephronophthisis. Last evaluated: 2021-08-31. Review status: criteria provided, single submitter. Criteria: Invitae Variant Classification Sherloc (09022015). Collection method: clinical testing. Allele origin: germline.
Comment: This sequence change replaces serine with asparagine at codon 463 of the NPHP4 protein (p.Ser463Asn). The serine residue is weakly conserved and there is a small physicochemical difference between serine and asparagine. This variant is not present in population databases (ExAC no frequency). This variant has not been reported in the literature in individuals affected with NPHP4-related conditions. Algorithms developed to predict the effect of missense changes on protein structure and function output the following: SIFT: "Tolerated"; PolyPhen-2: "Benign"; Align-GVGD: "Class C0". The asparagine amino acid residue is found in multiple mammalian species, which suggests that this missense change does not adversely affect protein function. In summary, the available evidence is currently insufficient to determine the role of this variant in disease. Therefore, it has been classified as a Variant of Uncertain Significance.